The following continues an entry in ClinVar:

NM_024675.4(PALB2):c.100C>T (p.Arg34Cys)

Gene: PALB2. ClinVar aggregate classification (germline): Conflicting classifications of pathogenicity. Uncertain significance (12); Benign (1).

Submissions 10 to 15 of 15:

Myriad Genetics, Inc.
Classification: Benign for Familial cancer of breast. Last evaluated: 2024-02-23. Review status: criteria provided, single submitter. Criteria: Myriad Autosomal Dominant, Autosomal Recessive and X-Linked Classification Criteria (2023). Collection method: clinical testing. Allele origin: unknown.
Comment: This variant is considered benign. This variant is strongly associated with less severe personal and family histories of cancer, typical for individuals without pathogenic variants in this gene [PMID: 25085752]. This variant has been observed in trans with a known pathogenic variant in one or more individuals lacking clinical features consistent with gene-specific recessive disease.

Baylor Genetics
Classification: Uncertain significance for Familial cancer of breast. Last evaluated: 2023-11-13. Review status: criteria provided, single submitter. Criteria: ACMG Guidelines, 2015. Collection method: clinical testing. Allele origin: unknown.

Sema4
Classification: Uncertain significance for Hereditary cancer-predisposing syndrome. Last evaluated: 2021-09-14. Review status: criteria provided, single submitter. Criteria: Sema4 Curation Guidelines. Collection method: curation. Allele origin: germline.
Comment: The PALB2 c.100C>T (p.R34C) variant has been reported in individuals with a history of Lynch Syndrome-associated cancer and/or colorectal polyps, breast cancer, stomach adenocarcinoma, pancreatic cancer as well as in controls (PMID: 25980754, 26689913, 26483394, 28779002, 33471991, 33471991). It was observed in 2/25124 chromosomes of the Finnish subpopulation in the large and broad cohorts of the Genome Aggregation Database (PMID: 32461654). The variant has been reported in ClinVar (Variation ID 185273). The arginine at codon 34 is highly conserved in available vertebrate species. A functional study demonstrated the normal homology-directed DNA repair activity (PMID: 31636395). The evidence is insufficient to meet ACMG/AMP criteria for classifying the variant as benign or pathogenic. Thus, the clinical significance of this variant is currently uncertain.

Mendelics
Classification: Uncertain significance for Hereditary cancer-predisposing syndrome. Last evaluated: 2018-07-02. Review status: criteria provided, single submitter. Criteria: Mendelics Assertion Criteria 2017. Collection method: clinical testing. Allele origin: unknown.

Leiden Open Variation Database
Classification: Uncertain significance. Last evaluated: 2018-10-10. Review status: no assertion criteria provided. Collection method: curation. Allele origin: germline. Affected: yes. Not counted in ClinVar's aggregate classification.
Comment: Curators: Marc Tischkowitz, Arleen D. Auerbach. Submitter to LOVD: Yukihide Momozawa.

Counsyl
Classification: Uncertain significance for Familial cancer of breast. Last evaluated: 2016-04-13. Review status: no assertion criteria provided. Collection method: clinical testing. Allele origin: unknown. Not counted in ClinVar's aggregate classification.

Literature cited by the submitters: PubMed 25980754 (cited by 5 submitters); PubMed 26848151 (cited by 4 submitters); PubMed 30287823 (cited by 6 submitters); PubMed 31636395 (cited by 5 submitters); PubMed 33128190 (cited by 4 submitters); PubMed 38061684 (cited by Women's Health and Genetics/Laboratory Corporation of America, LabCorp); PubMed 39402389 (cited by Women's Health and Genetics/Laboratory Corporation of America, LabCorp); PubMed 40257527 (cited by Women's Health and Genetics/Laboratory Corporation of America, LabCorp); PubMed 26483394 (cited by 6 submitters); PubMed 26689913 (cited by 6 submitters); PubMed 28779002 (cited by 3 submitters); PubMed 29522266 (cited by Ambry Genetics and Quest Diagnostics Nichols Institute San Juan Capistrano); PubMed 33471991 (cited by 3 submitters); PubMed 2598075 (cited by Color Diagnostics, LLC DBA Color Health); PubMed 33195396 (cited by Quest Diagnostics Nichols Institute San Juan Capistrano); PubMed 25085752 (cited by Myriad Genetics, Inc.).